The following is an entry in ClinVar:

NM_002386.4(MC1R):c.546C>T (p.Tyr182=)

Gene: MC1R (melanocortin 1 receptor; plus strand). Cytogenetic location: 16q24.3.
Variant type: single nucleotide variant.
Coding change: c.546C>T on transcript NM_002386.4 (MANE Select); coding-DNA position 546, C replaced by T.
Protein change: p.Tyr182=; no amino-acid change (tyrosine 182 retained).
Molecular consequence: synonymous variant.
Genome position (GRCh38, 1-based): chr16:89,919,804, C>T. VCF-style: chr16-89919804-C-T. GRCh37 (hg19) VCF-style: chr16-89986212-C-T.
Identifiers: ClinVar variation 470707 (VCV000470707.13), dbSNP rs370040645, ClinGen allele CA8255651.
Genomic context (GRCh38, chr16:89,919,804, plus strand): 5'-GCGAGCCGTTGCGGCCATCTGGGTGGCCAGTGTCGTCTTCAGCACGCTCTTCATCGCCTA[C>T]TACGACCACGTGGCCGTCCTGCTGTGCCTCGTGGTCTTCTTCCTGGCTATGCTGGTGCTC-3'
Protein context (NP_002377.4, residues 172-192): SVVFSTLFIA[Tyr182=]YDHVAVLLCL

ClinVar aggregate classification (germline): Likely benign. Review status: criteria provided, multiple submitters, no conflicts (2 of 4 stars). 4 submissions from 4 submitters: Likely benign (4). Last evaluated 2025-04-07.

Conditions:
MC1R-related disorder. Also called: MC1R-related condition.
Melanoma, cutaneous malignant, susceptibility to, 5. Also called: Cutaneous malignant melanoma 5. Identifiers: Orphanet 618, MedGen C2751295, MONDO:0013133, OMIM 613099.

Allele frequency attached by ClinVar (database versions not stated): gnomAD 0.00019; TOPMed 0.00019; ESP Exome Variant Server 0.00046.

Submissions (4):

Labcorp Genetics (formerly Invitae), Labcorp
Classification: Likely benign for Melanoma, cutaneous malignant, susceptibility to, 5. Last evaluated: 2025-04-07. Review status: criteria provided, single submitter. Criteria: Invitae Variant Classification Sherloc (09022015). Collection method: clinical testing. Allele origin: germline.

PreventionGenetics, part of Exact Sciences
Classification: Likely benign for MC1R-related condition. Last evaluated: 2025-02-14. Review status: criteria provided, single submitter. Criteria: ACMG Guidelines, 2015. Collection method: clinical testing. Allele origin: germline.
Comment: This variant is classified as likely benign based on ACMG/AMP sequence variant interpretation guidelines (Richards et al. 2015 PMID: 25741868, with internal and published modifications).

Ambry Genetics
Classification: Likely benign. Last evaluated: 2024-10-05. Review status: criteria provided, single submitter. Criteria: Ambry Variant Classification Scheme 2023. Collection method: clinical testing. Allele origin: germline.

GeneDx
Classification: Likely benign. Last evaluated: 2019-10-08. Review status: criteria provided, single submitter. Criteria: GeneDx Variant Classification Process June 2021. Collection method: clinical testing. Allele origin: germline. Affected: yes.
Comment: See Variant Classification Assertion Criteria.